The following is an entry in ClinVar:

ClinVar aggregate classification (germline): Pathogenic. Review status: criteria provided, multiple submitters, no conflicts (2 of 4 stars). 2 submissions from 2 submitters: Pathogenic (2). Last evaluated 2026-03-13.

Conditions:
Jeune thoracic dystrophy. Also called: Jeune syndrome; Infantile thoracic dystrophy; Thoracic pelvic phalangeal dystrophy; Jeune's syndrome; Chondroectodermal dysplasia-like syndrome; Short-rib thoracic dysplasia. Identifiers: Orphanet 474, MedGen C0265275, MONDO:0018770.
Asphyxiating thoracic dystrophy 3. Also called: Saldino-Noonan Syndrome; SHORT-RIB THORACIC DYSPLASIA 3 WITH OR WITHOUT POLYDACTYLY; POLYDACTYLY WITH NEONATAL CHONDRODYSTROPHY, TYPE I; SHORT-RIB THORACIC DYSPLASIA 3/6 WITH POLYDACTYLY, DIGENIC; Short rib polydactyly syndrome 2B. Identifiers: Orphanet 474, Orphanet 93269, Orphanet 93270, Orphanet 93271, MedGen C0036069, MONDO:0013127, OMIM 613091.

Submissions (2):

Myriad Genetics, Inc.
Classification: Pathogenic for Asphyxiating thoracic dystrophy 3. Last evaluated: 2026-03-13. Review status: criteria provided, single submitter. Criteria: Myriad Autosomal Dominant, Autosomal Recessive and X-Linked Classification Criteria (2023). Collection method: clinical testing. Allele origin: unknown.
Comment: NM_001377.2(DYNC2H1):c.3666delG(T1223Lfs*3) is a frameshift variant classified as pathogenic in the context of DYNC2H1-related disorders. T1223Lfs*3 has not been observed in cases with relevant disease. Relevant functional assessments of this variant are not available in the literature. T1223Lfs*3 has not been observed in referenced population frequency databases. In summary, NM_001377.2(DYNC2H1):c.3666delG(T1223Lfs*3) is a frameshift variant in a gene where loss of function is a known mechanism of disease and is predicted to disrupt protein function. Please note: this variant was assessed in the context of healthy population screening.

Labcorp Genetics (formerly Invitae), Labcorp
Classification: Pathogenic for Jeune thoracic dystrophy. Last evaluated: 2025-12-10. Review status: criteria provided, single submitter. Criteria: Invitae Variant Classification Sherloc (09022015). Collection method: clinical testing. Allele origin: germline.
Comment: This sequence change creates a premature translational stop signal (p.Thr1223Leufs*3) in the DYNC2H1 gene. It is expected to result in an absent or disrupted protein product. Loss-of-function variants in DYNC2H1 are known to be pathogenic (PMID: 23339108, 32753734, 33755199). This variant is not present in population databases (gnomAD no frequency). This variant has not been reported in the literature in individuals affected with DYNC2H1-related conditions. For these reasons, this variant has been classified as Pathogenic.

Literature cited by the submitters: PubMed 23339108 (cited by Labcorp Genetics (formerly Invitae), Labcorp); PubMed 32753734 (cited by Labcorp Genetics (formerly Invitae), Labcorp); PubMed 33755199 (cited by Labcorp Genetics (formerly Invitae), Labcorp).

NM_001377.3(DYNC2H1):c.3666del (p.Thr1223fs)

Gene: DYNC2H1 (dynein cytoplasmic 2 heavy chain 1; plus strand). Cytogenetic location: 11q22.3.
Variant type: Deletion.
Coding change: c.3666del on transcript NM_001377.3 (MANE Select); coding-DNA position 3666, one base deleted (G; older notation c.3666delG).
Protein change: p.Thr1223fs; shifts the reading frame from threonine 1223.
Molecular consequence: frameshift variant.
Genome position (GRCh38, 1-based): chr11:103,155,423, G deleted; the last of 5 consecutive G bases (chr11:103,155,419-103,155,423); deleting any one gives the same sequence. VCF-style (leftmost placement, unchanged base first): chr11-103155418-AG-A. GRCh37 (hg19) VCF-style: chr11-103026147-AG-A.
Other names: c.3666del, p.Thr1223fs (NM_001080463.2); short protein forms T1223fs.
Identifiers: ClinVar variation 4727476 (VCV004727476.3).